The following is an entry in ClinVar:

ClinVar aggregate classification (germline): Conflicting classifications of pathogenicity. Review status: criteria provided, conflicting classifications (1 of 4 stars). 2 submissions from 2 submitters: Uncertain significance (1); Likely benign (1). Last evaluated 2022-09-07.

Conditions:
Cardiovascular phenotype. Identifiers: MedGen CN230736.
Catecholaminergic polymorphic ventricular tachycardia 1. Also called: VENTRICULAR TACHYCARDIA, CATECHOLAMINERGIC POLYMORPHIC, 1, WITH OR WITHOUT ATRIAL DYSFUNCTION AND/OR DILATED CARDIOMYOPATHY; VENTRICULAR TACHYCARDIA, STRESS-INDUCED POLYMORPHIC 1; RYR2-Related Catecholaminergic Polymorphic Ventricular Tachycardia. Identifiers: Orphanet 3286, MedGen C1631597, MONDO:0011484, OMIM 604772.

Submissions (2):

Labcorp Genetics (formerly Invitae), Labcorp
Classification: Likely benign for Catecholaminergic polymorphic ventricular tachycardia 1. Last evaluated: 2022-09-07. Review status: criteria provided, single submitter. Criteria: Invitae Variant Classification Sherloc (09022015). Collection method: clinical testing. Allele origin: germline.

Ambry Genetics
Classification: Uncertain significance for Cardiovascular phenotype. Last evaluated: 2020-09-21. Review status: criteria provided, single submitter. Criteria: Ambry Variant Classification Scheme 2023. Collection method: clinical testing. Allele origin: germline.
Comment: The c.1832-4C>T intronic variant results from a C to T substitution 4 nucleotides upstream from coding exon 35 in the TRDN gene. This nucleotide position is not well conserved in available vertebrate species. In silico splice site analysis predicts that this alteration will not have any significant effect on splicing. Since supporting evidence is limited at this time, the clinical significance of this alteration remains unclear.

NM_006073.4(TRDN):c.1832-4C>T

Gene: TRDN (triadin; minus strand). Cytogenetic location: 6q22.31.
Variant type: single nucleotide variant.
Coding change: c.1832-4C>T on transcript NM_006073.4 (MANE Select); 4 bases into the intron before coding-DNA position 1832, C replaced by T.
Molecular consequence: intron variant.
Genome position (GRCh38, 1-based): chr6:123,259,666, G>A on the plus strand (C>T on the coding strand, the complement: TRDN is on the minus strand). VCF-style: chr6-123259666-G-A. GRCh37 (hg19) VCF-style: chr6-123580811-G-A.
Identifiers: ClinVar variation 1780973 (VCV001780973.7), dbSNP rs539547575, ClinGen allele CA2580074838.